The following is an entry in ClinVar:

NM_001371928.1(AHDC1):c.2687G>A (p.Ser896Asn)

Gene: AHDC1 (AT-hook DNA binding motif containing 1; minus strand). Cytogenetic location: 1p36.11.
Variant type: single nucleotide variant.
Coding change: c.2687G>A on transcript NM_001371928.1 (MANE Select); coding-DNA position 2687, G replaced by A.
Protein change: p.Ser896Asn; replaces serine 896 with asparagine.
Molecular consequence: missense variant.
Genome position (GRCh38, 1-based): chr1:27,549,429, C>T on the plus strand (G>A on the coding strand, the complement: AHDC1 is on the minus strand). VCF-style: chr1-27549429-C-T. GRCh37 (hg19) VCF-style: chr1-27875940-C-T.
Other names: c.2687G>A, p.Ser896Asn (NM_001029882.3); short protein forms S896N.
Identifiers: ClinVar variation 2051187 (VCV002051187.4), dbSNP rs2521921777, ClinGen allele CA339230017.

ClinVar aggregate classification (germline): Uncertain significance (1 of 4 stars; one submission).

Submission:

Labcorp Genetics (formerly Invitae), Labcorp
Classification: Uncertain significance. Last evaluated: 2022-06-12. Review status: criteria provided, single submitter. Criteria: Invitae Variant Classification Sherloc (09022015). Collection method: clinical testing. Allele origin: germline.
Comment: In summary, the available evidence is currently insufficient to determine the role of this variant in disease. Therefore, it has been classified as a Variant of Uncertain Significance. Algorithms developed to predict the effect of missense changes on protein structure and function output the following: SIFT: "Tolerated"; PolyPhen-2: "Benign"; Align-GVGD: "Class C0". The asparagine amino acid residue is found in multiple mammalian species, which suggests that this missense change does not adversely affect protein function. This variant has not been reported in the literature in individuals affected with AHDC1-related conditions. This variant is not present in population databases (gnomAD no frequency). This sequence change replaces serine, which is neutral and polar, with asparagine, which is neutral and polar, at codon 896 of the AHDC1 protein (p.Ser896Asn).